The following is an entry in ClinVar:

ClinVar aggregate classification (germline): Uncertain significance (1 of 4 stars; one submission).

Conditions:
Dyskeratosis congenita, autosomal dominant 2. Identifiers: MedGen C3151443, MONDO:0013521, OMIM 613989.
Idiopathic Pulmonary Fibrosis. Also called: Idiopathic fibrosing alveolitis, chronic form; idiopathic fibrosing alveolitis. Identifiers: Orphanet 2032, MedGen C1800706, MeSH D054990, MONDO:0800504.

Submission:

Labcorp Genetics (formerly Invitae), Labcorp
Classification: Uncertain significance for Dyskeratosis congenita, autosomal dominant 2; Idiopathic Pulmonary Fibrosis. Last evaluated: 2024-06-10. Review status: criteria provided, single submitter. Criteria: Invitae Variant Classification Sherloc (09022015). Collection method: clinical testing. Allele origin: germline.
Comment: This sequence change replaces lysine, which is basic and polar, with arginine, which is basic and polar, at codon 594 of the TERT protein (p.Lys594Arg). This variant is not present in population databases (gnomAD no frequency). This variant has not been reported in the literature in individuals affected with TERT-related conditions. ClinVar contains an entry for this variant (Variation ID: 1721195). Advanced modeling of protein sequence and biophysical properties (such as structural, functional, and spatial information, amino acid conservation, physicochemical variation, residue mobility, and thermodynamic stability) performed at Invitae indicates that this missense variant is not expected to disrupt TERT protein function with a negative predictive value of 80%. In summary, the available evidence is currently insufficient to determine the role of this variant in disease. Therefore, it has been classified as a Variant of Uncertain Significance.

NM_198253.3(TERT):c.1781A>G (p.Lys594Arg)

Gene: TERT (telomerase reverse transcriptase; minus strand). Cytogenetic location: 5p15.33.
Variant type: single nucleotide variant.
Coding change: c.1781A>G on transcript NM_198253.3 (MANE Select); coding-DNA position 1781, A replaced by G.
Protein change: p.Lys594Arg; replaces lysine 594 with arginine.
Molecular consequence: missense variant. On other transcripts: non-coding transcript variant (2).
Genome position (GRCh38, 1-based): chr5:1,280,327, T>C on the plus strand (A>G on the coding strand, the complement: TERT is on the minus strand). VCF-style: chr5-1280327-T-C. GRCh37 (hg19) VCF-style: chr5-1280442-T-C.
Other names: c.1781A>G, p.Lys594Arg (NM_001193376.3, NM_003219.1); short protein forms K594R.
Identifiers: ClinVar variation 1721195 (VCV001721195.6), dbSNP rs2478286402, ClinGen allele CA359082114.